The following is an entry in ClinVar:

ClinVar aggregate classification (germline): Pathogenic (1 of 4 stars; one submission).

Conditions:
Familial hypobetalipoproteinemia 1. Also called: Hypobetalipoproteinemia, normotriglyceridemic; Acanthocytosis with hypobetalipoproteinemia; APOB-Related Familial Hypobetalipoproteinemia. Identifiers: MedGen C4551990, MONDO:0014252, OMIM 615558.
Hypercholesterolemia, autosomal dominant, type B (FHCL2). Also called: Familial Hypercholesterolemia Type B; APOLIPOPROTEIN B-100, FAMILIAL DEFECTIVE; APOLIPOPROTEIN B-100, FAMILIAL LIGAND-DEFECTIVE; HYPERCHOLESTEROLEMIA, FAMILIAL, DUE TO LIGAND-DEFECTIVE APOLIPOPROTEIN B; Familial hypercholesterolemia 2; APOB-Related Familial Hypercholesterolemia, Autosomal Dominant. Identifiers: MedGen C1704417, MONDO:0007751, OMIM 144010.

Submission:

Labcorp Genetics (formerly Invitae), Labcorp
Classification: Pathogenic for Familial hypobetalipoproteinemia 1; Hypercholesterolemia, autosomal dominant, type B. Last evaluated: 2018-09-05. Review status: criteria provided, single submitter. Criteria: Invitae Variant Classification Sherloc (09022015). Collection method: clinical testing. Allele origin: germline.
Comment: This sequence change creates a premature translational stop signal (p.Pro224Hisfs*8) in the APOB gene. It is expected to result in an absent or disrupted protein product. This variant is not present in population databases (ExAC no frequency). This variant has not been reported in the literature in individuals with APOB-related disease. Loss-of-function variants in APOB are known to be pathogenic (PMID: 20032471). For these reasons, this variant has been classified as Pathogenic.

Literature cited by the submitters: PubMed 20032471.

NM_000384.3(APOB):c.671del (p.Pro224fs)

Gene: APOB (apolipoprotein B; minus strand). Cytogenetic location: 2p24.1.
Variant type: Deletion.
Coding change: c.671del on transcript NM_000384.3 (MANE Select); coding-DNA position 671, one base deleted (C; older notation c.671delC).
Protein change: p.Pro224fs; shifts the reading frame from proline 224.
Molecular consequence: frameshift variant.
Genome position (GRCh38, 1-based): chr2:21,037,122, G deleted on the plus strand (C on the coding strand, the reverse complement: APOB is on the minus strand); the first of 3 consecutive G bases (chr2:21,037,122-21,037,124); deleting any one gives the same sequence. VCF-style (leftmost placement, unchanged base first): chr2-21037121-TG-T. GRCh37 (hg19) VCF-style: chr2-21259993-TG-T.
Other names: short protein forms P224fs.
Identifiers: ClinVar variation 648832 (VCV000648832.9), dbSNP rs1572801523, ClinGen allele CA915943732.